The following is an entry in ClinVar:

NM_020631.6(PLEKHG5):c.1282-111T>C

Gene: PLEKHG5 (pleckstrin homology and RhoGEF domain containing G5; minus strand). Cytogenetic location: 1p36.31.
Variant type: single nucleotide variant.
Coding change: c.1282-111T>C on transcript NM_020631.6 (MANE Select); 111 bases into the intron before coding-DNA position 1282, T replaced by C.
Molecular consequence: intron variant.
Genome position (GRCh38, 1-based): chr1:6,471,211, A>G on the plus strand (T>C on the coding strand, the complement: PLEKHG5 is on the minus strand). VCF-style: chr1-6471211-A-G. GRCh37 (hg19) VCF-style: chr1-6531271-A-G.
Other names: c.1282-111T>C (NM_198681.4, NM_001265594.3, NM_001042664.2 and 1 more transcripts); c.1393-111T>C (NM_001042663.3, NM_001265592.2); c.1489-111T>C (NM_001265593.2).
Identifiers: ClinVar variation 676086 (VCV000676086.2), dbSNP rs186051032, ClinGen allele CA17237909.
Genomic context (GRCh38, chr1:6,471,211, plus strand): 5'-GGCCGGCCCGCGCCAGGCGCTGCGCAAGCGCTTCCTTACTGCACTTGGGCGACCACCCCA[A>G]GGGGGCAGCAAGCTTATGATCCCTGTTTCCTGATGAGGAAACTGAGCCTCAGCCAAAGTG-3'

ClinVar aggregate classification (germline): Benign. Review status: criteria provided, multiple submitters, no conflicts (2 of 4 stars). 2 submissions from 2 submitters: Benign (2). Last evaluated 2018-06-16.

Allele frequency attached by ClinVar (database versions not stated): gnomAD exomes 0.00170; gnomAD 0.01499 and 0.01611; TOPMed 0.01662; 1000 Genomes Project 0.01857; 1000 Genomes Project 30x 0.02030.
gnomAD v4.1: 3,652 of 903,906 alleles (0.4%); highest among the groups gnomAD compares: African/African-American, 5.1%; 91 homozygotes.

Submissions (2):

GeneDx
Classification: Benign. Last evaluated: 2018-06-16. Review status: criteria provided, single submitter. Criteria: GeneDx Variant Classification (06012015). Collection method: clinical testing. Allele origin: germline. Affected: yes.
Comment: This variant is considered likely benign or benign based on one or more of the following criteria: it is a conservative change, it occurs at a poorly conserved position in the protein, it is predicted to be benign by multiple in silico algorithms, and/or has population frequency not consistent with disease.

Breakthrough Genomics
Classification: Benign. Review status: criteria provided, single submitter. Criteria: ACMG Guidelines, 2015. Collection method: not provided. Allele origin: germline. Inheritance: Autosomal recessive inheritance. Affected: yes.